The following is an entry in ClinVar:

NM_004360.5(CDH1):c.2510G>A (p.Gly837Glu)

Gene: CDH1 (cadherin 1; plus strand). Cytogenetic location: 16q22.1.
Variant type: single nucleotide variant.
Coding change: c.2510G>A on transcript NM_004360.5 (MANE Select); coding-DNA position 2510, G replaced by A.
Protein change: p.Gly837Glu; replaces glycine 837 with glutamic acid.
Molecular consequence: missense variant.
Genome position (GRCh38, 1-based): chr16:68,833,360, G>A. VCF-style: chr16-68833360-G-A. GRCh37 (hg19) VCF-style: chr16-68867263-G-A.
Other names: c.2327G>A, p.Gly776Glu (NM_001317184.2); c.962G>A, p.Gly321Glu (NM_001317185.2); c.545G>A, p.Gly182Glu (NM_001317186.2); short protein forms G182E, G321E, G776E, G837E.
Identifiers: ClinVar variation 1001043 (VCV001001043.9), dbSNP rs1961536737, ClinGen allele CA396472239.
Genomic context (GRCh38, chr16:68,833,360, plus strand): 5'-CGGCTGATACTGACCCCACAGCCCCGCCTTATGATTCTCTGCTCGTGTTTGACTATGAAG[G>A]AAGCGGTTCCGAAGCTGCTAGTCTGAGCTCCCTGAACTCCTCAGAGTCAGACAAAGACCA-3'
Protein context (NP_004351.1, residues 827-847): YDSLLVFDYE[Gly837Glu]SGSEAASLSS

ClinVar aggregate classification (germline): Uncertain significance (1 of 4 stars; one submission).

Conditions:
Hereditary diffuse gastric adenocarcinoma (HDGC). Also called: DIFFUSE GASTRIC AND LOBULAR BREAST CANCER SYNDROME. Identifiers: Orphanet 26106, MedGen C1708349, MONDO:0007648, OMIM 137215.

Submission:

Labcorp Genetics (formerly Invitae), Labcorp
Classification: Uncertain significance for Hereditary diffuse gastric adenocarcinoma. Last evaluated: 2024-03-10. Review status: criteria provided, single submitter. Criteria: Invitae Variant Classification Sherloc (09022015). Collection method: clinical testing. Allele origin: germline.
Comment: This sequence change replaces glycine, which is neutral and non-polar, with glutamic acid, which is acidic and polar, at codon 837 of the CDH1 protein (p.Gly837Glu). This variant is not present in population databases (gnomAD no frequency). This variant has not been reported in the literature in individuals affected with CDH1-related conditions. ClinVar contains an entry for this variant (Variation ID: 1001043). An algorithm developed to predict the effect of missense changes on protein structure and function (PolyPhen-2) suggests that this variant is likely to be disruptive. In summary, the available evidence is currently insufficient to determine the role of this variant in disease. Therefore, it has been classified as a Variant of Uncertain Significance.